The following is an entry in ClinVar:

ClinVar aggregate classification (germline): Pathogenic (1 of 4 stars; one submission).

Conditions:
Hurler syndrome. Also called: Gargoylism, Hurler Syndrome; MUCOPOLYSACCHARIDOSIS TYPE IH; Severe MPS I (Hurler Syndrome). Identifiers: Orphanet 93473, MedGen C0086795, MONDO:0011758, OMIM 607014.

Submission:

Key Laboratory of Reproductive Health Diseases Research and Translation Ministry of Education
Classification: Pathogenic for Hurler syndrome. Last evaluated: 2016-11-26. Review status: criteria provided, single submitter. Criteria: ACMG Guidelines, 2015. Collection method: clinical testing. Allele origin: inherited. Affected: yes.
Comment: The NM_000203.5 c.1379T>C, is a missense mutation in IDUA which is predicted to result in a thymine to cytosine substitution at position 460. Employing a series of statistical models, including FATHMM, PROVEAN, SIFT, Polyphen2, VEST3, Mutation Taster, MataSVM, and MataLR. Multiple computational prediction tools consistently indicated deleterious effects on protein function (PP4). The variant occurs at a mutation hot spot with multiple adjacent disease-causing mutations (PMID: 7550232, 8680403, PM1).Absence from population databases including 1000 Genomes and ExAC (PM2). Trans occurrence with a known pathogenic variant (IDUA NM_000203.5 c.1,855C>T) (PM3).

Literature cited by the submitters: PubMed 7550232; PubMed 8680403.

NM_000203.5(IDUA):c.1379T>C (p.Leu460Pro)

Gene: IDUA (alpha-L-iduronidase; plus strand). Cytogenetic location: 4p16.3.
Variant type: single nucleotide variant.
Coding change: c.1379T>C on transcript NM_000203.5 (MANE Select); coding-DNA position 1379, T replaced by C.
Protein change: p.Leu460Pro; replaces leucine 460 with proline.
Molecular consequence: missense variant. On other transcripts: non-coding transcript variant (1).
Genome position (GRCh38, 1-based): chr4:1,002,921, T>C. VCF-style: chr4-1002921-T-C. GRCh37 (hg19) VCF-style: chr4-996709-T-C.
Other names: c.983T>C, p.Leu328Pro (NM_001363576.1); short protein forms L328P, L460P.
Identifiers: ClinVar variation 4796688 (VCV004796688.1).